The following is an entry in ClinVar:

NM_001040142.2(SCN2A):c.2157A>G (p.Glu719=)

Gene: SCN2A (sodium voltage-gated channel alpha subunit 2; plus strand). Cytogenetic location: 2q24.3.
Variant type: single nucleotide variant.
Coding change: c.2157A>G on transcript NM_001040142.2 (MANE Select); coding-DNA position 2157, A replaced by G.
Protein change: p.Glu719=; no amino-acid change (glutamic acid 719 retained).
Molecular consequence: synonymous variant.
Genome position (GRCh38, 1-based): chr2:165,331,337, A>G. VCF-style: chr2-165331337-A-G. GRCh37 (hg19) VCF-style: chr2-166187847-A-G.
Other names: c.2157A>G, p.Glu719= (NM_001040143.2, NM_001371246.1, NM_001371247.1 and 1 more transcripts).
Identifiers: ClinVar variation 331729 (VCV000331729.8), dbSNP rs779574574, ClinGen allele CA1939944.

ClinVar aggregate classification (germline): Likely benign. Review status: criteria provided, multiple submitters, no conflicts (2 of 4 stars). 3 submissions from 3 submitters: Likely benign (3). Last evaluated 2025-09-20.

Conditions:
Developmental and epileptic encephalopathy, 11 (DEE11). Also called: Early infantile epileptic encephalopathy 11. Identifiers: Orphanet 1934, MedGen C3150987, MONDO:0013388, OMIM 613721.
Seizures, benign familial infantile, 3 (BFIS3). Also called: CONVULSIONS, BENIGN FAMILIAL INFANTILE, 3; Familial neonatal seizures. Identifiers: Orphanet 140927, Orphanet 306, MedGen C1843140, MONDO:0011904, OMIM 607745.

Allele frequency attached by ClinVar (database versions not stated): gnomAD exomes below 0.00001; ExAC 0.00002.
gnomAD v4.1: 2 of 1,612,852 alleles (0.00012%); highest among the groups gnomAD compares: South Asian, 0.0011%; no homozygotes.

Submissions (3):

Labcorp Genetics (formerly Invitae), Labcorp
Classification: Likely benign for Seizures, benign familial infantile, 3; Developmental and epileptic encephalopathy, 11. Last evaluated: 2025-09-20. Review status: criteria provided, single submitter. Criteria: Invitae Variant Classification Sherloc (09022015). Collection method: clinical testing. Allele origin: germline.

GeneDx
Classification: Likely benign. Last evaluated: 2018-05-02. Review status: criteria provided, single submitter. Criteria: GeneDx Variant Classification (06012015). Collection method: clinical testing. Allele origin: germline. Affected: yes.
Comment: This variant is considered likely benign or benign based on one or more of the following criteria: it is a conservative change, it occurs at a poorly conserved position in the protein, it is predicted to be benign by multiple in silico algorithms, and/or has population frequency not consistent with disease.

Illumina Laboratory Services, Illumina
Classification: Likely benign for Seizures, benign familial infantile, 3. Last evaluated: 2018-01-12. Review status: criteria provided, single submitter. Criteria: ICSL Variant Classification Criteria 13 December 2019. Collection method: clinical testing. Allele origin: germline.
Comment: This variant was observed in the ICSL laboratory as part of a predisposition screen in an ostensibly healthy population. It had not been previously curated by ICSL or reported in the Human Gene Mutation Database (HGMD: prior to June 1st, 2018), and was therefore a candidate for classification through an automated scoring system. Utilizing variant allele frequency, disease prevalence and penetrance estimates, and inheritance mode, an automated score was calculated to assess if this variant is too frequent to cause the disease. Based on the score and internal cut-off values, a variant classified as likely benign is not then subjected to further curation. The score for this variant resulted in a classification of likely benign for this disease.